The following is an entry in ClinVar:

NM_017563.5(IL17RD):c.1486A>G (p.Thr496Ala)

Genes: IL17RD (interleukin 17 receptor D; minus strand), LOC126806689 (BRD4-independent group 4 enhancer GRCh37_chr3:57131244-57132443; plus strand). Cytogenetic location: 3p14.3.
Variant type: single nucleotide variant.
Coding change: c.1486A>G on transcript NM_017563.5 (MANE Select); coding-DNA position 1486, A replaced by G.
Protein change: p.Thr496Ala; replaces threonine 496 with alanine.
Molecular consequence: missense variant.
Genome position (GRCh38, 1-based): chr3:57,098,217, T>C on the plus strand (A>G on the coding strand, the complement: IL17RD is on the minus strand). VCF-style: chr3-57098217-T-C. GRCh37 (hg19) VCF-style: chr3-57132245-T-C.
Other names: c.1054A>G, p.Thr352Ala (NM_001318864.2); short protein forms T352A, T496A.
Identifiers: ClinVar variation 5040165 (VCV005040165.1).
Genomic context (GRCh38, chr3:57,098,217, plus strand): 5'-GGTCTCGGGAGTGCAAGTGGGAACAGAGCTGAGGAAGATTGTCCATGAGTCTGTACTTGG[T>C]ACTCAGGTCTAGGATACCGGGGACGTCTCCCTCGCAGGAATAATCAAAGTAGACGGCGAT-3'
Protein context (NP_060033.3, residues 486-506): GDVPGILDLS[Thr496Ala]KYRLMDNLPQ

ClinVar aggregate classification (germline): Uncertain significance (1 of 4 stars; one submission).

gnomAD v4.1: 1 of 1,613,880 alleles (0.000062%); highest among the groups gnomAD compares: South Asian, 0.0011%; no homozygotes.

Submission:

CeGaT Center for Human Genetics Tuebingen
Classification: Uncertain significance. Last evaluated: 2026-07-01. Review status: criteria provided, single submitter. Criteria: CeGaT Center For Human Genetics Tuebingen Variant Classification Criteria Version 2. Collection method: clinical testing. Allele origin: germline. Affected: yes. Observed: 1 variant allele.
Comment: IL17RD: PM2:Supporting, BP4